The following is an entry in ClinVar:

ClinVar aggregate classification (germline): Pathogenic. Review status: criteria provided, single submitter (1 of 4 stars). 2 submissions from 2 submitters: Pathogenic (1). 1 of the submissions does not count toward it. Last evaluated 2024-02-22.

Conditions:
Junctional epidermolysis bullosa gravis of Herlitz. Also called: Epidermolysis Bullosa Letalis; Herlitz-type junctional epidermolysis bullosa; EPIDERMOLYSIS BULLOSA, JUNCTIONAL 1B, SEVERE; EPIDERMOLYSIS BULLOSA JUNCTIONALIS, HERLITZ TYPE; EPIDERMOLYSIS BULLOSA, JUNCTIONAL, HERLITZ-PEARSON TYPE; JEB-HERLITZ TYPE. Identifiers: Orphanet 79404, MedGen C0079683, MONDO:0009182, OMIM 226700.

Allele frequency attached by ClinVar (database versions not stated): gnomAD exomes below 0.00001 and 0.00002; ExAC 0.00001; gnomAD 0.00001; TOPMed 0.00001; ESP Exome Variant Server 0.00008.

Submissions (2):

Labcorp Genetics (formerly Invitae), Labcorp
Classification: Pathogenic. Last evaluated: 2024-02-22. Review status: criteria provided, single submitter. Criteria: Invitae Variant Classification Sherloc (09022015). Collection method: clinical testing. Allele origin: germline.
Comment: This sequence change creates a premature translational stop signal (p.Glu783Glyfs*48) in the LAMC2 gene. It is expected to result in an absent or disrupted protein product. Loss-of-function variants in LAMC2 are known to be pathogenic (PMID: 11907499, 16473856). This variant is present in population databases (rs776142807, gnomAD 0.0009%). This variant has not been reported in the literature in individuals affected with LAMC2-related conditions. ClinVar contains an entry for this variant (Variation ID: 371486). For these reasons, this variant has been classified as Pathogenic.

Counsyl
Classification: Likely pathogenic for Junctional epidermolysis bullosa gravis of Herlitz. Last evaluated: 2016-10-05. Review status: no assertion criteria provided. Collection method: clinical testing. Allele origin: unknown. Not counted in ClinVar's aggregate classification.

Literature cited by the submitters: PubMed 11907499 (cited by Labcorp Genetics (formerly Invitae), Labcorp); PubMed 16473856 (cited by Labcorp Genetics (formerly Invitae), Labcorp).

NM_005562.3(LAMC2):c.2348del (p.Glu783fs)

Gene: LAMC2 (laminin subunit gamma 2; plus strand). Cytogenetic location: 1q25.3.
Variant type: Deletion.
Coding change: c.2348del on transcript NM_005562.3 (MANE Select); coding-DNA position 2348, one base deleted (A; older notation c.2348delA).
Protein change: p.Glu783fs; shifts the reading frame from glutamic acid 783.
Molecular consequence: frameshift variant.
Genome position (GRCh38, 1-based): chr1:183,235,622, A deleted. VCF-style (leftmost placement, unchanged base first): chr1-183235621-GA-G. GRCh37 (hg19) VCF-style: chr1-183204756-GA-G.
Other names: c.2348del, p.Glu783fs (NM_018891.3); c.2348del (NM_005562.2); short protein forms E783fs.
Identifiers: ClinVar variation 371486 (VCV000371486.11), dbSNP rs776142807, ClinGen allele CA1282895.